The following is an entry in ClinVar:

NM_001330574.2(ZNF711):c.*272G>A

Gene: ZNF711 (ZFX family zinc finger ZNF711; plus strand). Cytogenetic location: Xq21.1.
Variant type: single nucleotide variant.
Coding change: c.*272G>A on transcript NM_001330574.2 (MANE Select); 272 bases downstream of the stop codon, G replaced by A.
Molecular consequence: 3 prime UTR variant.
Genome position (GRCh38, 1-based): chrX:85,272,100, G>A. VCF-style: chrX-85272100-G-A. GRCh37 (hg19) VCF-style: chrX-84527106-G-A.
Other names: c.*272G>A (NM_021998.5).
Identifiers: ClinVar variation 368753 (VCV000368753.5), dbSNP rs187954106, ClinGen allele CA10654404.
Genomic context (GRCh38, chrX:85,272,100, plus strand): 5'-TTACAGAAAAACTTCTTAAGTATCTGTGTAATAGTATTATATGCATACTTAAACTACAGA[G>A]GGGAAAAGCAAAGACAAATACTTTATTTGGCTGATTATGTTAGATACAAATGTTTCTGAG-3'

ClinVar aggregate classification (germline): Benign (1 of 4 stars; one submission).

Conditions:
Intellectual developmental disorder, X-linked 97. Also called: Intellectual disability, X-linked 97. Identifiers: Orphanet 777, MedGen C2749020, MONDO:0010430, OMIM 300803.

Allele frequency attached by ClinVar (database versions not stated): gnomAD 0.00055 and 0.00093; TOPMed 0.00091; gnomAD exomes 0.00080; 1000 Genomes Project 30x 0.00853; 1000 Genomes Project 0.00954.
gnomAD v4.1: 261 of 294,979 alleles (0.088%); highest among the groups gnomAD compares: East Asian, 1.1%; 1 homozygote.

Submission:

Illumina Laboratory Services, Illumina
Classification: Benign for Intellectual developmental disorder, X-linked 97. Last evaluated: 2018-01-13. Review status: criteria provided, single submitter. Criteria: ICSL Variant Classification Criteria 13 December 2019. Collection method: clinical testing. Allele origin: germline.
Comment: This variant was observed in the ICSL laboratory as part of a predisposition screen in an ostensibly healthy population. It had not been previously curated by ICSL or reported in the Human Gene Mutation Database (HGMD: prior to June 1st, 2018), and was therefore a candidate for classification through an automated scoring system. Utilizing variant allele frequency, disease prevalence and penetrance estimates, and inheritance mode, an automated score was calculated to assess if this variant is too frequent to cause the disease. Based on the score and internal cut-off values, a variant classified as benign is not then subjected to further curation. The score for this variant resulted in a classification of benign for this disease.